The following is an entry in ClinVar:

NM_001330360.2(POLA1):c.1957C>G (p.Leu653Val)

Gene: POLA1 (DNA polymerase alpha 1, catalytic subunit; plus strand). Cytogenetic location: Xp22.11.
Variant type: single nucleotide variant.
Coding change: c.1957C>G on transcript NM_001330360.2 (MANE Select); coding-DNA position 1957, C replaced by G.
Protein change: p.Leu653Val; replaces leucine 653 with valine.
Molecular consequence: missense variant. On other transcripts: non-coding transcript variant (1).
Genome position (GRCh38, 1-based): chrX:24,737,658, C>G. VCF-style: chrX-24737658-C-G. GRCh37 (hg19) VCF-style: chrX-24755775-C-G.
Other names: c.1882C>G, p.Leu628Val (NM_001378303.1); c.1939C>G, p.Leu647Val (NM_016937.4); short protein forms L628V, L653V, L647V.
Identifiers: ClinVar variation 1488187 (VCV001488187.6), dbSNP rs148326076, ClinGen allele CA10373091.

ClinVar aggregate classification (germline): Uncertain significance (1 of 4 stars; one submission).

Allele frequency attached by ClinVar (database versions not stated): TOPMed below 0.00001; ExAC 0.00002; gnomAD 0.00002; ESP Exome Variant Server 0.00009.
gnomAD v4.1: 9 of 1,166,693 alleles (0.00077%); highest among the groups gnomAD compares: Non-Finnish European, 0.001%; no homozygotes.

Submission:

Labcorp Genetics (formerly Invitae), Labcorp
Classification: Uncertain significance. Last evaluated: 2022-04-18. Review status: criteria provided, single submitter. Criteria: Invitae Variant Classification Sherloc (09022015). Collection method: clinical testing. Allele origin: germline.
Comment: In summary, the available evidence is currently insufficient to determine the role of this variant in disease. Therefore, it has been classified as a Variant of Uncertain Significance. This variant has not been reported in the literature in individuals affected with POLA1-related conditions. Algorithms developed to predict the effect of missense changes on protein structure and function are either unavailable or do not agree on the potential impact of this missense change (SIFT: "Tolerated"; PolyPhen-2: "Probably Damaging"; Align-GVGD: "Class C15"). This sequence change replaces leucine, which is neutral and non-polar, with valine, which is neutral and non-polar, at codon 647 of the POLA1 protein (p.Leu647Val). This variant is present in population databases (rs148326076, gnomAD 0.003%).